The following is an entry in ClinVar:

NM_000018.4(ACADVL):c.481G>A (p.Ala161Thr)

Gene: ACADVL (acyl-CoA dehydrogenase very long chain; plus strand). Cytogenetic location: 17p13.1.
Variant type: single nucleotide variant.
Coding change: c.481G>A on transcript NM_000018.4 (MANE Select); coding-DNA position 481, G replaced by A.
Protein change: p.Ala161Thr; replaces alanine 161 with threonine.
Molecular consequence: missense variant.
Genome position (GRCh38, 1-based): chr17:7,221,541, G>A. VCF-style: chr17-7221541-G-A. GRCh37 (hg19) VCF-style: chr17-7124860-G-A.
Other names: c.415G>A, p.Ala139Thr (NM_001033859.3); c.550G>A, p.Ala184Thr (NM_001270447.2); c.253G>A, p.Ala85Thr (NM_001270448.2); c.481G>A (NM_000018.2); short protein forms A161T, A85T, A139T, A184T.
Identifiers: ClinVar variation 324987 (VCV000324987.27), dbSNP rs375284481, ClinGen allele CA8337740.

ClinVar aggregate classification (germline): Conflicting classifications of pathogenicity. Review status: criteria provided, conflicting classifications (1 of 4 stars). 11 submissions from 11 submitters: Pathogenic (3); Likely pathogenic (6); Uncertain significance (2). Last evaluated 2026-03-05.

Conditions:
ACADVL-related disorder. Also called: ACADVL-related condition.
Very long chain acyl-CoA dehydrogenase deficiency (ACADVLD). Also called: VLCAD Deficiency; Very Long-Chain Acyl-Coenzyme A Dehydrogenase Deficiency. Identifiers: Orphanet 26793, MedGen C3887523, MONDO:0008723, OMIM 201475.

Allele frequency attached by ClinVar (database versions not stated): TOPMed 0.00005.
gnomAD v4.1: 46 of 1,613,984 alleles (0.0029%); highest among the groups gnomAD compares: Admixed American, 0.025%; no homozygotes.

Submissions (11):

PreventionGenetics, part of Exact Sciences
Classification: Likely pathogenic for ACADVL-related condition. Last evaluated: 2026-03-05. Review status: criteria provided, single submitter. Criteria: ACMG Guidelines, 2015. Collection method: clinical testing. Allele origin: germline.
Comment: The ACADVL c.481G>A variant is predicted to result in the amino acid substitution p.Ala161Thr. This variant has been reported in the compound heterozygous state in an individual with very long chain acyl-CoA dehydrogenase deficiency (Boneh et al. 2006. PubMed ID: 16488171). This variant is reported in 0.020% of alleles in individuals of Latino descent in gnomAD. This variant is interpreted as likely pathogenic.

Labcorp Genetics (formerly Invitae), Labcorp
Classification: Pathogenic for Very long chain acyl-CoA dehydrogenase deficiency. Last evaluated: 2026-01-06. Review status: criteria provided, single submitter. Criteria: Invitae Variant Classification Sherloc (09022015). Collection method: clinical testing. Allele origin: germline.
Comment: This sequence change replaces alanine, which is neutral and non-polar, with threonine, which is neutral and polar, at codon 161 of the ACADVL protein (p.Ala161Thr). This variant is present in population databases (rs375284481, gnomAD 0.02%). This missense change has been observed in individual(s) with VLCAD deficiency (PMID: 16488171, 16950999; internal data). This variant is also known as A121V. ClinVar contains an entry for this variant (Variation ID: 324987). Invitae Evidence Modeling of protein sequence and biophysical properties (such as structural, functional, and spatial information, amino acid conservation, physicochemical variation, residue mobility, and thermodynamic stability) indicates that this missense variant is not expected to disrupt ACADVL protein function with a negative predictive value of 80%. For these reasons, this variant has been classified as Pathogenic.

Natera, Inc.
Classification: Likely pathogenic for Very long chain acyl-CoA dehydrogenase deficiency. Last evaluated: 2025-11-14. Review status: criteria provided, single submitter. Criteria: Natera Variant Classification Schema (03/2026). Collection method: clinical testing. Allele origin: germline.
Comment: The c.481G>A variant in ACADVL is a missense variant predicted to cause substitution of alanine to threonine at amino acid 161. This variant is rare in the general population with a frequency below the threshold expected for the associated phenotype(s). This variant has been observed in one or more individuals affected with the associated recessive disease, as either homozygous or compound heterozygous with a second variant (PMID: 16488171, 16950999). This variant has been identified in one or more affected individual with a phenotype highly consistent with the associated gene (PMID: 16488171). Computational prediction algorithms indicate this variant is likely to affect gene or protein function. Given the available evidence, this variant is classified as Likely Pathogenic.

Fulgent Genetics
Classification: Likely pathogenic for Very long chain acyl-CoA dehydrogenase deficiency. Last evaluated: 2024-04-26. Review status: criteria provided, single submitter. Criteria: ACMG Guidelines, 2015. Collection method: clinical testing. Allele origin: germline.

Baylor Genetics
Classification: Likely pathogenic for Very long chain acyl-CoA dehydrogenase deficiency. Last evaluated: 2024-03-26. Review status: criteria provided, single submitter. Criteria: ACMG Guidelines, 2015. Collection method: clinical testing. Allele origin: unknown.

Revvity Omics, Revvity
Classification: Likely pathogenic for Very long chain acyl-CoA dehydrogenase deficiency. Last evaluated: 2024-03-05. Review status: criteria provided, single submitter. Criteria: ACMG Guidelines, 2015. Collection method: clinical testing. Allele origin: germline.

GeneDx
Classification: Likely pathogenic. Last evaluated: 2024-01-13. Review status: criteria provided, single submitter. Criteria: GeneDx Variant Classification Process June 2021. Collection method: clinical testing. Allele origin: germline. Affected: yes.
Comment: Identified in an individual with hypertrophic cardiomyopathy who was also found to harbor a pathogenic variant in MYH7 (PMID: 37498360); In silico analysis, which includes protein predictors and evolutionary conservation, supports a deleterious effect; This variant is associated with the following publications: (PMID: 27246109, 16950999, 16488171, 28755359, 26385305, 20480395, 37498360)

Blueprint Genetics
Classification: Uncertain significance. Last evaluated: 2023-05-26. Review status: criteria provided, single submitter. Criteria: ACMG Guidelines, 2015. Collection method: clinical testing. Allele origin: germline.

Myriad Genetics, Inc.
Classification: Uncertain significance for Very long chain acyl-CoA dehydrogenase deficiency. Last evaluated: 2021-11-03. Review status: criteria provided, single submitter. Criteria: Myriad Women's Health Autosomal Recessive and X-Linked Classification Criteria (2021). Collection method: clinical testing. Allele origin: unknown.
Comment: NM_000018.3(ACADVL):c.481G>A(A161T) is a missense variant classified as a variant of uncertain significance in the context of very-long-chain acyl-CoA dehydrogenase deficiency. A161T has been observed in cases with relevant disease (PMID: 16488171, 16950999, 20480395). Functional assessments of this variant are not available in the literature. A161T has been observed in population frequency databases (gnomAD: AMR 0.02%). In summary, there is insufficient evidence to classify NM_000018.3(ACADVL):c.481G>A(A161T) as pathogenic or benign. Please note: this variant was assessed in the context of healthy population screening.

Wong Mito Lab, Molecular and Human Genetics, Baylor College of Medicine
Classification: Pathogenic for Very long chain acyl-CoA dehydrogenase deficiency. Last evaluated: 2019-11-01. Review status: criteria provided, single submitter. Criteria: ACMG Guidelines, 2015. Collection method: clinical testing. Allele origin: germline.
Comment: The NM_000018.3:c.481G>A (NP_000009.1:p.Ala161Thr) [GRCH38: NC_000017.11:g.7221541G>A] variant in ACADVL gene is interpretated to be Pathogenic based on ACMG guidelines (PMID: 25741868). This variant has been reported in PMID: 16488171. This variant meets the following evidence codes reported in the ACMG guidelines: PS1, PS3

Clinical Genetics Service, Universitary Hospital 12 de Octubre
Classification: Pathogenic for Very long chain acyl-CoA dehydrogenase deficiency. Review status: criteria provided, single submitter. Criteria: ACMG Guidelines, 2015. Collection method: clinical testing. Allele origin: paternal. Affected: yes.

Literature cited by the submitters: PubMed 16488171 (cited by 4 submitters); PubMed 16950999 (cited by 3 submitters); PubMed 20480395 (cited by Myriad Genetics, Inc.).